The following is an entry in ClinVar:

NM_006231.4(POLE):c.802-5C>A

Gene: POLE (DNA polymerase epsilon, catalytic subunit; minus strand). Cytogenetic location: 12q24.33.
Variant type: single nucleotide variant.
Coding change: c.802-5C>A on transcript NM_006231.4 (MANE Select); 5 bases into the intron before coding-DNA position 802, C replaced by A.
Molecular consequence: intron variant.
Genome position (GRCh38, 1-based): chr12:132,676,658, G>T on the plus strand (C>A on the coding strand, the complement: POLE is on the minus strand). VCF-style: chr12-132676658-G-T. GRCh37 (hg19) VCF-style: chr12-133253244-G-T.
Identifiers: ClinVar variation 484557 (VCV000484557.15), dbSNP rs376302620, ClinGen allele CA246299215.

ClinVar aggregate classification (germline): Conflicting classifications of pathogenicity. Review status: criteria provided, conflicting classifications (1 of 4 stars). 2 submissions from 2 submitters: Uncertain significance (1); Likely benign (1). Last evaluated 2025-05-26.

Conditions:
Hereditary cancer-predisposing syndrome. Also called: Neoplastic Syndromes, Hereditary; Tumor predisposition; Hereditary Cancer Syndrome; Hereditary neoplastic syndrome. Identifiers: Orphanet 140162, MedGen C0027672, MeSH D009386, MONDO:0015356.

Allele frequency attached by ClinVar (database versions not stated): TOPMed 0.00002.

Submissions (2):

Labcorp Genetics (formerly Invitae), Labcorp
Classification: Likely benign. Last evaluated: 2025-05-26. Review status: criteria provided, single submitter. Criteria: Invitae Variant Classification Sherloc (09022015). Collection method: clinical testing. Allele origin: germline.

Ambry Genetics
Classification: Uncertain significance for Hereditary cancer-predisposing syndrome. Last evaluated: 2025-02-21. Review status: criteria provided, single submitter. Criteria: Ambry Variant Classification Scheme 2023. Collection method: clinical testing. Allele origin: germline.
Comment: The c.802-5C>A intronic variant results from a C to A substitution 5 nucleotides upstream from coding exon 9 in the POLE gene. This nucleotide position is poorly conserved in available vertebrate species. In silico splice site analysis predicts that this alteration will not have any significant effect on splicing. Based on the available evidence, the clinical significance of this variant remains unclear.